The following is an entry in ClinVar:

NM_005630.3(SLCO2A1):c.640A>T (p.Ile214Phe)

Gene: SLCO2A1 (solute carrier organic anion transporter family member 2A1; minus strand). Cytogenetic location: 3q22.1.
Variant type: single nucleotide variant.
Coding change: c.640A>T on transcript NM_005630.3 (MANE Select); coding-DNA position 640, A replaced by T.
Protein change: p.Ile214Phe; replaces isoleucine 214 with phenylalanine.
Molecular consequence: missense variant.
Genome position (GRCh38, 1-based): chr3:133,953,747, T>A on the plus strand (A>T on the coding strand, the complement: SLCO2A1 is on the minus strand). VCF-style: chr3-133953747-T-A. GRCh37 (hg19) VCF-style: chr3-133672591-T-A.
Other names: short protein forms I214F.
Identifiers: ClinVar variation 1482864 (VCV001482864.8), dbSNP rs2108045034, ClinGen allele CA354617978.

ClinVar aggregate classification (germline): Uncertain significance (1 of 4 stars; one submission).

Submission:

Labcorp Genetics (formerly Invitae), Labcorp
Classification: Uncertain significance. Last evaluated: 2021-06-12. Review status: criteria provided, single submitter. Criteria: Invitae Variant Classification Sherloc (09022015). Collection method: clinical testing. Allele origin: germline.
Comment: Algorithms developed to predict the effect of missense changes on protein structure and function are either unavailable or do not agree on the potential impact of this missense change (SIFT: "Deleterious"; PolyPhen-2: "Benign"; Align-GVGD: "Class C0"). This sequence change replaces isoleucine with phenylalanine at codon 214 of the SLCO2A1 protein (p.Ile214Phe). The isoleucine residue is highly conserved and there is a small physicochemical difference between isoleucine and phenylalanine. This variant is not present in population databases (ExAC no frequency). This variant has not been reported in the literature in individuals with SLCO2A1-related conditions. In summary, the available evidence is currently insufficient to determine the role of this variant in disease. Therefore, it has been classified as a Variant of Uncertain Significance.